The following is an entry in ClinVar:

ClinVar aggregate classification (germline): Uncertain significance. Review status: criteria provided, multiple submitters, no conflicts (2 of 4 stars). 4 submissions from 4 submitters: Uncertain significance (4). Last evaluated 2024-07-08.

Conditions:
Intellectual disability, autosomal dominant 16 (CSS4). Also called: COFFIN-SIRIS SYNDROME 4. Identifiers: Orphanet 1465, MedGen C3553249, MONDO:0013821, OMIM 614609.
Hereditary cancer-predisposing syndrome. Also called: Neoplastic Syndromes, Hereditary; Tumor predisposition; Hereditary neoplastic syndrome; Hereditary Cancer Syndrome. Identifiers: Orphanet 140162, MedGen C0027672, MeSH D009386, MONDO:0015356.
Rhabdoid tumor predisposition syndrome 2 (RTPS2). Identifiers: Orphanet 231108, Orphanet 69077, MedGen C2750074, MONDO:0013224, OMIM 613325.

Submissions (4):

Women's Health and Genetics/Laboratory Corporation of America, LabCorp
Classification: Uncertain significance. Last evaluated: 2024-07-08. Review status: criteria provided, single submitter. Criteria: LabCorp Variant Classification Summary - May 2015. Collection method: clinical testing. Allele origin: germline.
Comment: Variant summary: SMARCA4 c.791G>T (p.Gly264Val) results in a non-conservative amino acid change in the encoded protein sequence. Three of five in-silico tools predict a damaging effect of the variant on protein function. The variant was absent in 249336 control chromosomes. The available data on variant occurrences in the general population are insufficient to allow any conclusion about variant significance. To our knowledge, no occurrence of c.791G>T in individuals affected with Coffin-Siris Syndrome and no experimental evidence demonstrating its impact on protein function have been reported. ClinVar contains an entry for this variant (Variation ID: 827335). Based on the evidence outlined above, the variant was classified as uncertain significance.

Labcorp Genetics (formerly Invitae), Labcorp
Classification: Uncertain significance for Rhabdoid tumor predisposition syndrome 2. Last evaluated: 2024-06-17. Review status: criteria provided, single submitter. Criteria: Invitae Variant Classification Sherloc (09022015). Collection method: clinical testing. Allele origin: germline.
Comment: This sequence change replaces glycine, which is neutral and non-polar, with valine, which is neutral and non-polar, at codon 264 of the SMARCA4 protein (p.Gly264Val). This variant is not present in population databases (gnomAD no frequency). This variant has not been reported in the literature in individuals affected with SMARCA4-related conditions. ClinVar contains an entry for this variant (Variation ID: 827335). Advanced modeling of protein sequence and biophysical properties (such as structural, functional, and spatial information, amino acid conservation, physicochemical variation, residue mobility, and thermodynamic stability) has been performed at Invitae for this missense variant, however the output from this modeling did not meet the statistical confidence thresholds required to predict the impact of this variant on SMARCA4 protein function. In summary, the available evidence is currently insufficient to determine the role of this variant in disease. Therefore, it has been classified as a Variant of Uncertain Significance.

Genome-Nilou Lab
Classification: Uncertain significance for Intellectual disability, autosomal dominant 16. Last evaluated: 2021-07-15. Review status: criteria provided, single submitter. Criteria: ACMG Guidelines, 2015. Collection method: clinical testing. Allele origin: germline. Affected: no.

Ambry Genetics
Classification: Uncertain significance for Hereditary cancer-predisposing syndrome. Last evaluated: 2019-08-02. Review status: criteria provided, single submitter. Criteria: Ambry Variant Classification Scheme 2023. Collection method: clinical testing. Allele origin: germline.
Comment: The p.G264V variant (also known as c.791G>T), located in coding exon 4 of the SMARCA4 gene, results from a G to T substitution at nucleotide position 791. The glycine at codon 264 is replaced by valine, an amino acid with dissimilar properties. This amino acid position is highly conserved in available vertebrate species. In addition, the in silico prediction for this alteration is inconclusive. Since supporting evidence is limited at this time, the clinical significance of this alteration remains unclear.

NM_003072.5(SMARCA4):c.791G>T (p.Gly264Val)

Gene: SMARCA4 (SWI/SNF related BAF chromatin remodeling complex subunit ATPase 4; plus strand). Cytogenetic location: 19p13.2.
Variant type: single nucleotide variant.
Coding change: c.791G>T on transcript NM_003072.5 (MANE Select); coding-DNA position 791, G replaced by T.
Protein change: p.Gly264Val; replaces glycine 264 with valine.
Molecular consequence: missense variant. On other transcripts: non-coding transcript variant (1).
Genome position (GRCh38, 1-based): chr19:10,986,935, G>T. VCF-style: chr19-10986935-G-T. GRCh37 (hg19) VCF-style: chr19-11097611-G-T.
Other names: c.791G>T, p.Gly264Val (NM_001128844.3, NM_001128845.2, NM_001128846.2 and 4 more transcripts); short protein forms G264V.
Identifiers: ClinVar variation 827335 (VCV000827335.16), dbSNP rs797045988, ClinGen allele CA404057932.